The following is an entry in ClinVar:

NM_020937.4(FANCM):c.3757A>G (p.Asn1253Asp)

Gene: FANCM (FA complementation group M; plus strand). Cytogenetic location: 14q21.2.
Variant type: single nucleotide variant.
Coding change: c.3757A>G on transcript NM_020937.4 (MANE Select); coding-DNA position 3757, A replaced by G.
Protein change: p.Asn1253Asp; replaces asparagine 1253 with aspartic acid.
Molecular consequence: missense variant.
Genome position (GRCh38, 1-based): chr14:45,176,511, A>G. VCF-style: chr14-45176511-A-G. GRCh37 (hg19) VCF-style: chr14-45645714-A-G.
Other names: c.3679A>G, p.Asn1227Asp (NM_001308133.2); short protein forms N1253D, N1227D.
Identifiers: ClinVar variation 3512950 (VCV003512950.1).
Genomic context (GRCh38, chr14:45,176,511, plus strand): 5'-GATTTAGGATTCTGTAGTCCAGATTCTGATGATGAAATATTGGAACATACATCAGATAGC[A>G]ATAGACCTCTAGATGATCTATATGGAAGGTATTTGGAAATTAAGGAGATAAGTGATGCAA-3'
Protein context (NP_065988.1, residues 1243-1263): DEILEHTSDS[Asn1253Asp]RPLDDLYGRY

ClinVar aggregate classification (germline): Uncertain significance (1 of 4 stars; one submission).

Conditions:
Inborn genetic diseases. Identifiers: MedGen C0950123, MeSH D030342.

gnomAD v4.1: 1 of 1,604,660 alleles (0.000062%); highest among the groups gnomAD compares: South Asian, 0.0011%; no homozygotes.

Submission:

Ambry Genetics
Classification: Uncertain significance for Inborn genetic diseases. Last evaluated: 2024-11-28. Review status: criteria provided, single submitter. Criteria: Ambry Variant Classification Scheme 2023. Collection method: clinical testing. Allele origin: germline.
Comment: The p.N1253D variant (also known as c.3757A>G), located in coding exon 14 of the FANCM gene, results from an A to G substitution at nucleotide position 3757. The asparagine at codon 1253 is replaced by aspartic acid, an amino acid with highly similar properties. This amino acid position is conserved. In addition, this alteration is predicted to be tolerated by in silico analysis. Based on the available evidence, the clinical significance of this variant remains unclear.